The following is an entry in ClinVar:

NM_001277372.4(KIAA2012):c.1536A>G (p.Gly512=)

Genes: KIAA2012-AS1 (KIAA2012 antisense RNA 1; minus strand), KIAA2012 (KIAA2012; plus strand). Cytogenetic location: 2q33.1.
Variant type: single nucleotide variant.
Coding change: c.1536A>G on transcript NM_001277372.4 (MANE Select); coding-DNA position 1536, A replaced by G.
Protein change: p.Gly512=; no amino-acid change (glycine 512 retained).
Molecular consequence: synonymous variant.
Genome position (GRCh38, 1-based): chr2:202,109,674, A>G. VCF-style: chr2-202109674-A-G. GRCh37 (hg19) VCF-style: chr2-202974397-A-G.
Other names: c.1536A>G, p.Gly512= (NM_001367720.2).
Identifiers: ClinVar variation 5040316 (VCV005040316.1).

ClinVar aggregate classification (germline): Likely benign (1 of 4 stars; one submission).

gnomAD v4.1: 1 of 1,546,162 alleles (0.000065%); highest among the groups gnomAD compares: Non-Finnish European, 0.000087%; no homozygotes.

Submission:

CeGaT Center for Human Genetics Tuebingen
Classification: Likely benign. Last evaluated: 2026-07-01. Review status: criteria provided, single submitter. Criteria: CeGaT Center For Human Genetics Tuebingen Variant Classification Criteria Version 2. Collection method: clinical testing. Allele origin: germline. Affected: yes. Observed: 1 variant allele.
Comment: KIAA2012: BP4, BP7